The following is an entry in ClinVar:

ClinVar aggregate classification (germline): Uncertain significance. Review status: criteria provided, multiple submitters, no conflicts (2 of 4 stars). 2 submissions from 2 submitters: Uncertain significance (2). Last evaluated 2025-10-14.

Conditions:
Inborn genetic diseases. Identifiers: MedGen C0950123, MeSH D030342.

Allele frequency attached by ClinVar (database versions not stated): ExAC 0.00002; ESP Exome Variant Server 0.00008.
gnomAD v4.1: 7 of 1,613,966 alleles (0.00043%); highest among the groups gnomAD compares: African/African-American, 0.0093%; no homozygotes.

Submissions (2):

Ambry Genetics
Classification: Uncertain significance for Inborn genetic diseases. Last evaluated: 2025-10-14. Review status: criteria provided, single submitter. Criteria: Ambry Variant Classification Scheme 2023. Collection method: clinical testing. Allele origin: germline.
Comment: The c.448G>T (p.V150L) alteration is located in exon 4 (coding exon 3) of the DNAJC5 gene. This alteration results from a G to T substitution at nucleotide position 448, causing the valine (V) at amino acid position 150 to be replaced by a leucine (L). Based on data from gnomAD, the T allele has an overall frequency of 0.001% (4/282100) total alleles studied. The highest observed frequency was 0.016% (4/24916) of African alleles. Based on insufficient or conflicting evidence, the clinical significance of this alteration remains unclear.

GeneDx
Classification: Uncertain significance. Last evaluated: 2022-07-12. Review status: criteria provided, single submitter. Criteria: GeneDx Variant Classification Process June 2021. Collection method: clinical testing. Allele origin: germline. Affected: yes.
Comment: In silico analysis supports that this missense variant does not alter protein structure/function; Has not been previously published as pathogenic or benign to our knowledge

NM_025219.3(DNAJC5):c.448G>T (p.Val150Leu)

Gene: DNAJC5 (DnaJ heat shock protein family (Hsp40) member C5; plus strand). Cytogenetic location: 20q13.33.
Variant type: single nucleotide variant.
Coding change: c.448G>T on transcript NM_025219.3 (MANE Select); coding-DNA position 448, G replaced by T.
Protein change: p.Val150Leu; replaces valine 150 with leucine.
Molecular consequence: missense variant.
Genome position (GRCh38, 1-based): chr20:63,930,977, G>T. VCF-style: chr20-63930977-G-T. GRCh37 (hg19) VCF-style: chr20-62562330-G-T.
Other names: short protein forms V150L.
Identifiers: ClinVar variation 1878735 (VCV001878735.2), dbSNP rs146719477, ClinGen allele CA9969750.